The following is an entry in ClinVar:

ClinVar aggregate classification (germline): Uncertain significance (1 of 4 stars; one submission).

Conditions:
Dilated cardiomyopathy 1JJ (CMD1JJ). Identifiers: Orphanet 154, MedGen C3808935, MONDO:0014095, OMIM 615235.

gnomAD v4.1: 14 of 1,608,124 alleles (0.00087%); highest among the groups gnomAD compares: East Asian, 0.0022%; no homozygotes.

Submission:

Labcorp Genetics (formerly Invitae), Labcorp
Classification: Uncertain significance for Dilated cardiomyopathy 1JJ. Last evaluated: 2024-12-24. Review status: criteria provided, single submitter. Criteria: Invitae Variant Classification Sherloc (09022015). Collection method: clinical testing. Allele origin: germline.
Comment: This sequence change falls in intron 7 of the LAMA4 gene. It does not directly change the encoded amino acid sequence of the LAMA4 protein. This variant is present in population databases (rs782116852, gnomAD 0.006%). This variant has not been reported in the literature in individuals affected with LAMA4-related conditions. Algorithms developed to predict the effect of sequence changes on RNA splicing suggest that this variant may create or strengthen a splice site. In summary, the available evidence is currently insufficient to determine the role of this variant in disease. Therefore, it has been classified as a Variant of Uncertain Significance.

NM_001105206.3(LAMA4):c.811A>G (p.Ile271Val)

Gene: LAMA4 (laminin subunit alpha 4; minus strand). Cytogenetic location: 6q21.
Variant type: single nucleotide variant.
Coding change: c.811A>G on transcript NM_001105206.3 (MANE Select); coding-DNA position 811, A replaced by G.
Protein change: p.Ile271Val; replaces isoleucine 271 with valine.
Molecular consequence: missense variant. On other transcripts: intron variant (2).
Genome position (GRCh38, 1-based): chr6:112,189,113, T>C on the plus strand (A>G on the coding strand, the complement: LAMA4 is on the minus strand). VCF-style: chr6-112189113-T-C. GRCh37 (hg19) VCF-style: chr6-112510315-T-C.
Other names: c.793+18A>G (NM_002290.5, NM_001105207.3); short protein forms I271V.
Identifiers: ClinVar variation 3705055 (VCV003705055.2).